The following is an entry in ClinVar:

NM_001267550.2(TTN):c.88311del (p.Pro29438fs)

Genes: TTN (titin; minus strand), TTN-AS1 (TTN antisense RNA 1; plus strand). Cytogenetic location: 2q31.2.
Variant type: Deletion.
Coding change: c.88311del on transcript NM_001267550.2 (MANE Select); coding-DNA position 88311, one base deleted (T; older notation c.88311delT).
Protein change: p.Pro29438fs; shifts the reading frame from proline 29438.
Molecular consequence: frameshift variant.
Genome position (GRCh38, 1-based): chr2:178,555,148, A deleted on the plus strand (T on the coding strand, the reverse complement: TTN is on the minus strand). VCF-style (leftmost placement, unchanged base first): chr2-178555147-GA-G. GRCh37 (hg19) VCF-style: chr2-179419874-GA-G.
Other names: c.83388del, p.Pro27797fs (NM_001256850.1); c.61116del, p.Pro20373fs (NM_003319.4); c.80607del, p.Pro26870fs (NM_133378.4); c.61491del, p.Pro20498fs (NM_133432.3); c.61692del, p.Pro20565fs (NM_133437.4); c.61116delT (NM_003319.4); short protein forms P20373fs, P20498fs, P20565fs, P26870fs, P27797fs, P29438fs.
Identifiers: ClinVar variation 3223322 (VCV003223322.1), dbSNP rs2469412099, ClinGen allele CA2825001016.

ClinVar aggregate classification (germline): Likely pathogenic (1 of 4 stars; one submission).

Conditions:
Cardiovascular phenotype. Identifiers: MedGen CN230736.

Submission:

Ambry Genetics
Classification: Likely pathogenic for Cardiovascular phenotype. Last evaluated: 2024-01-09. Review status: criteria provided, single submitter. Criteria: Ambry Variant Classification Scheme 2023. Collection method: clinical testing. Allele origin: germline.
Comment: The c.61116delT variant, located in coding exon 158 of the TTN gene, results from a deletion of one nucleotide at nucleotide position 61116, causing a translational frameshift with a predicted alternate stop codon (p.P20373Lfs*2). This exon is located in the A-band region of the N2-B isoform of the titin protein and is constitutively expressed in TTN transcripts (percent spliced in or PSI 100%). This variant is considered to be rare based on population cohorts in the Genome Aggregation Database (gnomAD). This alteration is expected to result in loss of function by premature protein truncation or nonsense-mediated mRNA decay. While truncating variants in TTN are present in 1-3% of the general population, truncating variants in the A-band are the most common cause of dilated cardiomyopathy (DCM) (Herman DS et al. N. Engl. J. Med., 2012 Feb;366:619-28; Roberts AM et al. Sci Transl Med, 2015 Jan;7:270ra6). TTN truncating variants encoded in constitutive exons (PSI >90%) have been found to be significantly associated with DCM regardless of their position in titin (Schafer S et al. Nat. Genet., 2017 01;49:46-53). Based on the majority of available evidence to date, this variant is likely to be pathogenic.